The following is an entry in ClinVar:

ClinVar aggregate classification (germline): Uncertain significance. Review status: criteria provided, multiple submitters, no conflicts (2 of 4 stars). 5 submissions from 5 submitters: Uncertain significance (5). Last evaluated 2026-01-22.

Conditions:
Hereditary cancer-predisposing syndrome. Also called: Neoplastic Syndromes, Hereditary; Hereditary Cancer Syndrome; Tumor predisposition; Hereditary neoplastic syndrome. Identifiers: Orphanet 140162, MedGen C0027672, MeSH D009386, MONDO:0015356.
Ataxia-telangiectasia syndrome (AT). Also called: LOUIS-BAR SYNDROME; Cerebello-oculocutaneous telangiectasia; Immunodeficiency with ataxia telangiectasia; Ataxia-telangiectasia, complementation group D; AT, COMPLEMENTATION GROUP C; Ataxia-telangiectasia, complementation group E. Identifiers: Orphanet 100, MedGen C0004135, MONDO:0008840, OMIM 208900.
Familial cancer of breast. Also called: Hereditary breast cancer; BREAST CANCER, FAMILIAL; hereditary breast carcinoma. Identifiers: Orphanet 227535, MedGen C0346153, MONDO:0016419, OMIM 114480. Disease mechanism: loss of function.

Submissions (5):

Women's Health and Genetics/Laboratory Corporation of America, LabCorp
Classification: Uncertain significance. Last evaluated: 2026-01-22. Review status: criteria provided, single submitter. Criteria: LabCorp Variant Classification Summary - May 2015. Collection method: clinical testing. Allele origin: germline.

Center for Genomic Medicine, Rigshospitalet, Copenhagen University Hospital
Classification: Uncertain significance. Last evaluated: 2025-12-29. Review status: criteria provided, single submitter. Criteria: ACMG Guidelines, 2015. Collection method: clinical testing. Allele origin: germline.
Comment: Classification criteria: PM2_supporting, PP3

Labcorp Genetics (formerly Invitae), Labcorp
Classification: Uncertain significance for Ataxia-telangiectasia syndrome. Last evaluated: 2025-12-22. Review status: criteria provided, single submitter. Criteria: Invitae Variant Classification Sherloc (09022015). Collection method: clinical testing. Allele origin: germline.
Comment: This sequence change falls in intron 58 of the ATM gene. It does not directly change the encoded amino acid sequence of the ATM protein. It affects a nucleotide within the consensus splice site. This variant is not present in population databases (gnomAD no frequency). This variant has not been reported in the literature in individuals affected with ATM-related conditions. ClinVar contains an entry for this variant (Variation ID: 482723). Variants that disrupt the consensus splice site are a relatively common cause of aberrant splicing (PMID: 17576681, 9536098). Algorithms developed to predict the effect of sequence changes on RNA splicing suggest that this variant may disrupt the consensus splice site. In summary, the available evidence is currently insufficient to determine the role of this variant in disease. Therefore, it has been classified as a Variant of Uncertain Significance.

Ambry Genetics
Classification: Uncertain significance for Hereditary cancer-predisposing syndrome. Last evaluated: 2023-09-29. Review status: criteria provided, single submitter. Criteria: Ambry Variant Classification Scheme 2023. Collection method: clinical testing. Allele origin: germline.
Comment: The c.8584+4A>G intronic variant results from an A to G substitution 4 nucleotides after coding exon 57 in the ATM gene. This nucleotide position is well conserved in available vertebrate species. In silico splice site analysis predicts that this alteration may weaken the native splice donor site; however, direct evidence is insufficient at this time (Ambry internal data). Since supporting evidence is limited at this time, the clinical significance of this alteration remains unclear.

Baylor Genetics
Classification: Uncertain significance for Familial cancer of breast. Last evaluated: 2023-06-02. Review status: criteria provided, single submitter. Criteria: ACMG Guidelines, 2015. Collection method: clinical testing. Allele origin: unknown.

Literature cited by the submitters: PubMed 17576681 (cited by Labcorp Genetics (formerly Invitae), Labcorp); PubMed 9536098 (cited by Labcorp Genetics (formerly Invitae), Labcorp).

NM_000051.4(ATM):c.8584+4A>G

Genes: ATM (ATM serine/threonine kinase; plus strand), C11orf65 (chromosome 11 open reading frame 65; minus strand). Cytogenetic location: 11q22.3.
Variant type: single nucleotide variant.
Coding change: c.8584+4A>G on transcript NM_000051.4 (MANE Select); 4 bases into the intron after coding-DNA position 8584, A replaced by G.
Molecular consequence: intron variant.
Genome position (GRCh38, 1-based): chr11:108,345,912, A>G. VCF-style: chr11-108345912-A-G. GRCh37 (hg19) VCF-style: chr11-108216639-A-G.
Other names: c.8584+4A>G (NM_001351834.2); c.641-36841T>C (NM_001330368.2); c.695-10620T>C (NM_001351110.2).
Identifiers: ClinVar variation 482723 (VCV000482723.15), dbSNP rs1555138484, ClinGen allele CA658656261.
Genomic context (GRCh38, chr11:108,345,912, plus strand): 5'-CTATTTGGTTTGAGAAGCGATTGGCTTATACGCGCAGTGTAGCTACTTCTTCTATTGGTA[A>G]TCTTCTTGTACATATAGTAGATTGAGCACTTTGTTGTTTGGCAGGTTTTATTTTTGTTTG-3'